The following is an entry in ClinVar:

NM_000271.5(NPC1):c.2688_2689dup (p.His897fs)

Gene: NPC1 (NPC intracellular cholesterol transporter 1; minus strand). Cytogenetic location: 18q11.2.
Variant type: Duplication.
Coding change: c.2688_2689dup on transcript NM_000271.5 (MANE Select); coding-DNA positions 2688 to 2689, 2 bases duplicated (GC; older notation c.2688_2689dupGC).
Protein change: p.His897fs; shifts the reading frame from histidine 897.
Molecular consequence: frameshift variant.
Genome position (GRCh38, 1-based): chr18:23,539,917-23,539,918, GC duplicated on the plus strand (GC on the coding strand, the reverse complement: NPC1 is on the minus strand). VCF-style (leftmost placement, unchanged base first): chr18-23539916-T-TGC. GRCh37 (hg19) VCF-style: chr18-21119880-T-TGC.
Other names: short protein forms H897fs.
Identifiers: ClinVar variation 4818057 (VCV004818057.2).

ClinVar aggregate classification (germline): Likely pathogenic (1 of 4 stars; one submission).

Conditions:
Niemann-Pick disease, type C1. Also called: NEUROVISCERAL STORAGE DISEASE WITH VERTICAL SUPRANUCLEAR OPHTHALMOPLEGIA; NIEMANN-PICK DISEASE WITH CHOLESTEROL ESTERIFICATION BLOCK; NIEMANN-PICK DISEASE WITHOUT SPHINGOMYELINASE DEFICIENCY; NIEMANN-PICK DISEASE, CHRONIC NEURONOPATHIC FORM; NIEMANN-PICK DISEASE, VARIANT TYPE C1. Identifiers: Orphanet 646, MedGen C3179455, MONDO:0009757, OMIM 257220.

Submission:

Natera, Inc.
Classification: Likely pathogenic for Niemann-Pick disease type C1. Last evaluated: 2024-03-26. Review status: criteria provided, single submitter. Criteria: Natera Variant Classification Schema (03/2026). Collection method: clinical testing. Allele origin: germline.
Comment: The c.2688_2689dupGC variant in NPC1 is a frameshift variant predicted to shift the reading frame beginning at codon 897 and leads to a stop codon 40 codons downstream. This variant is expected to result in nonsense mediated decay, truncation, or a dysfunctional protein product. This variant is rare in the general population with a frequency below the threshold expected for the associated phenotype(s). Given the available evidence, this variant is classified as Likely Pathogenic.